The following is an entry in ClinVar:

ClinVar aggregate classification (germline): Likely pathogenic (1 of 4 stars; one submission).

Conditions:
Autosomal recessive Alport syndrome (ATS2). Also called: ALPORT SYNDROME 2, AUTOSOMAL RECESSIVE; Alport syndrome type 2; COL4A4 Alport Syndrome and Thin Basement Membrane Nephropathy; COL4A3-Related Nephropathy. Identifiers: Orphanet 63, Orphanet 88919, MedGen C4746745, MONDO:0008762, OMIM 203780.

Submission:

Myriad Genetics, Inc.
Classification: Likely pathogenic for Autosomal recessive Alport syndrome. Last evaluated: 2019-08-07. Review status: criteria provided, single submitter. Criteria: Myriad Women's Health Autosomal Recessive and X-Linked Classification Criteria (2019). Collection method: clinical testing. Allele origin: unknown.
Comment: NM_000092.4(COL4A4):c.3021C>G(Y1007*) is expected to be pathogenic in the context of COL4A4-related Alport syndrome. This variant is predicted to lead to an abnormal or absent protein product due to the creation of a premature termination codon in COL4A4, a gene where loss-of-function variants are known to be pathogenic. Please note: this variant was assessed in the context of healthy population screening.

NM_000092.5(COL4A4):c.3021C>G (p.Tyr1007Ter)

Gene: COL4A4 (collagen type IV alpha 4 chain; minus strand). Cytogenetic location: 2q36.3.
Variant type: single nucleotide variant.
Coding change: c.3021C>G on transcript NM_000092.5 (MANE Select); coding-DNA position 3021, C replaced by G.
Protein change: p.Tyr1007Ter; replaces tyrosine 1007 with a stop codon.
Molecular consequence: nonsense.
Genome position (GRCh38, 1-based): chr2:227,051,106, G>C on the plus strand (C>G on the coding strand, the complement: COL4A4 is on the minus strand). VCF-style: chr2-227051106-G-C. GRCh37 (hg19) VCF-style: chr2-227915822-G-C.
Other names: short protein forms Y1007*.
Identifiers: ClinVar variation 984049 (VCV000984049.3), dbSNP rs746105339, ClinGen allele CA350839192.